The following is an entry in ClinVar:

ClinVar aggregate classification (germline): Uncertain significance (1 of 4 stars; one submission).

gnomAD v4.1: 4 of 1,614,132 alleles (0.00025%); highest among the groups gnomAD compares: Admixed American, 0.0017%; no homozygotes.

Submission:

Ambry Genetics
Classification: Uncertain significance. Last evaluated: 2024-08-05. Review status: criteria provided, single submitter. Criteria: Ambry Variant Classification Scheme 2023. Collection method: clinical testing. Allele origin: germline.
Comment: The p.Y303C variant (also known as c.908A>G), located in coding exon 1 of the MLH3 gene, results from an A to G substitution at nucleotide position 908. The tyrosine at codon 303 is replaced by cysteine, an amino acid with highly dissimilar properties. This amino acid position is conserved. In addition, the in silico prediction for this alteration is inconclusive. Based on the available evidence, the clinical significance of this variant remains unclear.

NM_001040108.2(MLH3):c.908A>G (p.Tyr303Cys)

Gene: MLH3 (mutL homolog 3; minus strand). Cytogenetic location: 14q24.3.
Variant type: single nucleotide variant.
Coding change: c.908A>G on transcript NM_001040108.2 (MANE Select); coding-DNA position 908, A replaced by G.
Protein change: p.Tyr303Cys; replaces tyrosine 303 with cysteine.
Molecular consequence: missense variant.
Genome position (GRCh38, 1-based): chr14:75,048,748, T>C on the plus strand (A>G on the coding strand, the complement: MLH3 is on the minus strand). VCF-style: chr14-75048748-T-C. GRCh37 (hg19) VCF-style: chr14-75515451-T-C.
Other names: c.908A>G, p.Tyr303Cys (NM_014381.3); short protein forms Y303C.
Identifiers: ClinVar variation 3396617 (VCV003396617.1).
Genomic context (GRCh38, chr14:75,048,748, plus strand): 5'-GGCTCCATGCACACATCATACTCACAGAATTGGCACTGCACATTAATTACATATATGCCA[T>C]AGAGTTCTGGGGTAGACCGGTGCCGAAGACTTGAATTCATTTGCCTACTGGTGGGACCAT-3'
Protein context (NP_001035197.1, residues 293-313): SLRHRSTPEL[Tyr303Cys]GIYVINVQCQ